The following is an entry in ClinVar:

NM_000153.4(GALC):c.327A>G (p.Thr109=)

Gene: GALC (galactosylceramidase; minus strand). Cytogenetic location: 14q31.3.
Variant type: single nucleotide variant.
Coding change: c.327A>G on transcript NM_000153.4 (MANE Select); coding-DNA position 327, A replaced by G.
Protein change: p.Thr109=; no amino-acid change (threonine 109 retained).
Molecular consequence: synonymous variant. On other transcripts: 5 prime UTR variant (4), non-coding transcript variant (1).
Genome position (GRCh38, 1-based): chr14:87,988,145, T>C on the plus strand (A>G on the coding strand, the complement: GALC is on the minus strand). VCF-style: chr14-87988145-T-C. GRCh37 (hg19) VCF-style: chr14-88454489-T-C.
Other names: c.258A>G, p.Thr86= (NM_001201401.2); c.249A>G, p.Thr83= (NM_001201402.2); c.159A>G, p.Thr53= (NM_001424071.1, NM_001424072.1, NM_001424073.1); c.-22A>G (NM_001424074.1); c.-110A>G (NM_001424075.1); c.-341A>G (NM_001424076.1, NM_001424077.1).
Identifiers: ClinVar variation 4695494 (VCV004695494.1).
Genomic context (GRCh38, chr14:87,988,145, plus strand): 5'-ATGCTGAGGTATAGATTAAAATGTTGATGGGAGAAATCCTATCTCCCAAATTCTCCTACC[T>C]GTTGTCTGCCCATCACCACCTATTTCCACTTTTAAAATATGCAAAGAGGCACCAAAATTC-3'
Protein context (NP_000144.2, residues 99-119): KVEIGGDGQT[Thr109=]DGTEPSHMHY

ClinVar aggregate classification (germline): Uncertain significance (1 of 4 stars; one submission).

Conditions:
Galactosylceramide beta-galactosidase deficiency. Also called: Leukodystrophy, Globoid Cell; Krabbe Disease; GALACTOCEREBROSIDASE DEFICIENCY; GALC DEFICIENCY; GLOBOID CELL LEUKOENCEPHALOPATHY. Identifiers: Orphanet 487, MedGen C0023521, MONDO:0009499, OMIM 245200.

Submission:

Labcorp Genetics (formerly Invitae), Labcorp
Classification: Uncertain significance for Galactosylceramide beta-galactosidase deficiency. Last evaluated: 2025-09-22. Review status: criteria provided, single submitter. Criteria: Invitae Variant Classification Sherloc (09022015). Collection method: clinical testing. Allele origin: germline.
Comment: This sequence change affects codon 109 of the GALC mRNA. It is a 'silent' change, meaning that it does not change the encoded amino acid sequence of the GALC protein. It affects a nucleotide within the consensus splice site. The frequency data for this variant in the population databases is considered unreliable, as metrics indicate poor data quality at this position in the gnomAD database. This variant has not been reported in the literature in individuals affected with GALC-related conditions. Algorithms developed to predict the effect of sequence changes on RNA splicing suggest that this variant may disrupt the consensus splice site. In summary, the available evidence is currently insufficient to determine the role of this variant in disease. Therefore, it has been classified as a Variant of Uncertain Significance.